The following is an entry in ClinVar:

NM_006147.4(IRF6):c.342_343del (p.Cys114_Asp115delinsTer)

Gene: IRF6 (interferon regulatory factor 6; minus strand). Cytogenetic location: 1q32.2.
Variant type: Microsatellite.
Coding change: c.342_343del on transcript NM_006147.4 (MANE Select); coding-DNA positions 342 to 343, 2 bases deleted (TG; older notation c.342_343delTG).
Protein change: p.Cys114_Asp115delinsTer.
Molecular consequence: nonsense.
Genome position (GRCh38, 1-based): chr1:209,796,384-209,796,385, CA deleted on the plus strand (TG on the coding strand, the reverse complement: IRF6 is on the minus strand); deleting any 2 consecutive bases within chr1:209,796,384-209,796,390 gives the same sequence; the c. name uses the placement nearest the transcript's 3' end. VCF-style (leftmost placement, unchanged base first): chr1-209796383-TCA-T. GRCh37 (hg19) VCF-style: chr1-209969728-TCA-T.
Other names: c.57_58del, p.Cys19_Asp20delinsTer (NM_001206696.2).
Identifiers: ClinVar variation 3338696 (VCV003338696.1).

ClinVar aggregate classification (germline): Pathogenic (1 of 4 stars; one submission).

Submission:

GeneDx
Classification: Pathogenic. Last evaluated: 2023-11-28. Review status: criteria provided, single submitter. Criteria: GeneDx Variant Classification Process June 2021. Collection method: clinical testing. Allele origin: germline. Affected: yes.
Comment: Nonsense variant predicted to result in protein truncation or nonsense mediated decay in a gene for which loss of function is a known mechanism of disease; Not observed at significant frequency in large population cohorts (gnomAD); This variant is associated with the following publications: (PMID: 23154523)